The following is an entry in ClinVar:

ClinVar aggregate classification (germline): Pathogenic (1 of 4 stars; one submission).

Conditions:
Familial adenomatous polyposis 2. Also called: MUTYH Polyposis; COLORECTAL ADENOMATOUS POLYPOSIS, AUTOSOMAL RECESSIVE; ADENOMAS, MULTIPLE COLORECTAL, AUTOSOMAL RECESSIVE; MUTYH-associated polyposis; MUTYH-related attenuated familial adenomatous polyposis; Adenomas, multiple colorectal. Identifiers: Orphanet 220460, Orphanet 247798, MedGen C3272841, MONDO:0012041, OMIM 608456.

Submission:

Labcorp Genetics (formerly Invitae), Labcorp
Classification: Pathogenic for Familial adenomatous polyposis 2. Last evaluated: 2017-11-22. Review status: criteria provided, single submitter. Criteria: Invitae Variant Classification Sherloc (09022015). Collection method: clinical testing. Allele origin: germline.
Comment: This variant is a gross deletion of the genomic region encompassing exons 4-16 of the MUTYH gene. The 5' boundary is likely confined to intron 3. The 3' end of this event is unknown as it extends through the termination codon beyond the assayed region for this gene and may encompass additional genes. While this deletion is not anticipated to result in nonsense mediated decay, it is expected to create a truncated protein product or disrupt mRNA translation. Deletions of exons 4-16 have been reported in the literature in the homozygous and compound heterozygous state in individuals affected with polyposis and colorectal cancer (PMID: 21962078, 23561487, 24953332). Loss-of-function variants in MUTYH are known to be pathogenic (PMID: 20663686, 18534194). For these reasons, this variant has been classified as Pathogenic.

Literature cited by the submitters: PubMed 23561487; PubMed 21962078; PubMed 24953332.

NC_000001.11:g.(?_45329300)_(45333609_?)del

Gene: MUTYH (mutY DNA glycosylase; minus strand). Cytogenetic location: 1p34.1.
Variant type: Deletion.
Identifiers: ClinVar variation 533333 (VCV000533333.1).